The following is an entry in ClinVar:

ClinVar aggregate classification (germline): Benign/Likely benign. Review status: criteria provided, multiple submitters, no conflicts (2 of 4 stars). 3 submissions from 3 submitters: Benign (1); Likely benign (2). Last evaluated 2019-12-31.

Conditions:
Long QT syndrome (LQTS). Identifiers: MedGen C0023976, MeSH D008133, MONDO:0002442. Disease mechanism: loss of function. Inheritance: Various modes of inheritance.

Allele frequency attached by ClinVar (database versions not stated): gnomAD 0.03942 and 0.04225; TOPMed 0.04548; 1000 Genomes Project 30x 0.05856; 1000 Genomes Project 0.05970.
gnomAD v4.1: 57,601 of 1,243,592 alleles (4.6%); highest among the groups gnomAD compares: East Asian, 12%; 1,694 homozygotes.

Submissions (3):

Labcorp Genetics (formerly Invitae), Labcorp
Classification: Benign for Long QT syndrome. Last evaluated: 2019-12-31. Review status: criteria provided, single submitter. Criteria: Invitae Variant Classification Sherloc (09022015). Collection method: clinical testing. Allele origin: germline.

GeneDx
Classification: Likely benign. Last evaluated: 2018-06-14. Review status: criteria provided, single submitter. Criteria: GeneDx Variant Classification (06012015). Collection method: clinical testing. Allele origin: germline. Affected: yes.
Comment: This variant is considered likely benign or benign based on one or more of the following criteria: it is a conservative change, it occurs at a poorly conserved position in the protein, it is predicted to be benign by multiple in silico algorithms, and/or has population frequency not consistent with disease.

Breakthrough Genomics
Classification: Likely benign. Review status: criteria provided, single submitter. Criteria: ACMG Guidelines, 2015. Collection method: not provided. Allele origin: germline. Inheritance: Autosomal dominant inheritance. Affected: yes.

NM_000719.7(CACNA1C):c.1218-66G>A

Gene: CACNA1C (calcium voltage-gated channel subunit alpha1 C; plus strand). Cytogenetic location: 12p13.33.
Variant type: single nucleotide variant.
Coding change: c.1218-66G>A on transcript NM_000719.7 (MANE Select); 66 bases into the intron before coding-DNA position 1218, G replaced by A.
Molecular consequence: intron variant.
Genome position (GRCh38, 1-based): chr12:2,512,746, G>A. VCF-style: chr12-2512746-G-A. GRCh37 (hg19) VCF-style: chr12-2621912-G-A.
Other names: c.1218-66G>A (NM_001167624.3, NM_001167623.2, NM_001167625.2 and 18 more transcripts); c.1209-66G>A (NM_001129844.2).
Identifiers: ClinVar variation 673325 (VCV000673325.6), dbSNP rs2239098, ClinGen allele CA231581172.